The following is an entry in ClinVar:

ClinVar aggregate classification (germline): Likely benign. Review status: criteria provided, multiple submitters, no conflicts (2 of 4 stars). 3 submissions from 3 submitters: Likely benign (2). 1 of the submissions does not count toward it. Last evaluated 2026-08-01.

Conditions:
Autosomal recessive limb-girdle muscular dystrophy type 2A (LGMDR1). Also called: Calpainopathy; Limb-girdle muscular dystrophy, type 2A; Muscular dystrophy, limb-girdle, type 2A, Amish; LEYDEN-MOEBIUS MUSCULAR DYSTROPHY; MUSCULAR DYSTROPHY, PELVOFEMORAL. Identifiers: Orphanet 267, MedGen C1869123, MONDO:0009675, OMIM 253600. Disease mechanism: loss of function.

Allele frequency attached by ClinVar (database versions not stated): gnomAD 0.00002; TOPMed 0.00003; ExAC 0.00006; ESP Exome Variant Server 0.00008; gnomAD exomes 0.00004 and 0.00005.
gnomAD v4.1: 78 of 1,614,046 alleles (0.0048%); highest among the groups gnomAD compares: Middle Eastern, 0.016%; no homozygotes.

Submissions (3):

CeGaT Center for Human Genetics Tuebingen
Classification: Likely benign. Last evaluated: 2026-08-01. Review status: criteria provided, single submitter. Criteria: CeGaT Center For Human Genetics Tuebingen Variant Classification Criteria Version 2. Collection method: clinical testing. Allele origin: germline. Affected: yes. Observed: 2 variant alleles.
Comment: CAPN3: BP4, BP7

Labcorp Genetics (formerly Invitae), Labcorp
Classification: Likely benign for Autosomal recessive limb-girdle muscular dystrophy type 2A. Last evaluated: 2025-12-23. Review status: criteria provided, single submitter. Criteria: Invitae Variant Classification Sherloc (09022015). Collection method: clinical testing. Allele origin: germline.

Natera, Inc.
Classification: Uncertain significance for Limb-girdle muscular dystrophy type 2A. Last evaluated: 2019-10-28. Review status: no assertion criteria provided. Collection method: clinical testing. Allele origin: germline. Not counted in ClinVar's aggregate classification.

NM_000070.3(CAPN3):c.1422G>A (p.Ser474=)

Gene: CAPN3 (calpain 3; plus strand). Cytogenetic location: 15q15.1.
Variant type: single nucleotide variant.
Coding change: c.1422G>A on transcript NM_000070.3 (MANE Select); coding-DNA position 1422, G replaced by A.
Protein change: p.Ser474=; no amino-acid change (serine 474 retained).
Molecular consequence: synonymous variant.
Genome position (GRCh38, 1-based): chr15:42,401,708, G>A. VCF-style: chr15-42401708-G-A. GRCh37 (hg19) VCF-style: chr15-42693906-G-A.
Other names: c.1422G>A, p.Ser474= (NM_024344.2); c.1278G>A, p.Ser426= (NM_173087.2).
Identifiers: ClinVar variation 581039 (VCV000581039.33), dbSNP rs367855757, ClinGen allele CA7511357.